The following is an entry in ClinVar:

NC_000012.11:g.(?_2794882)_(2800365_?)dup

Gene: CACNA1C (calcium voltage-gated channel subunit alpha1 C; plus strand). Cytogenetic location: 12p13.33.
Variant type: Duplication.
Identifiers: ClinVar variation 1511067 (VCV001511067.6).

ClinVar aggregate classification (germline): Uncertain significance (1 of 4 stars; one submission).

Conditions:
Long QT syndrome (LQTS). Identifiers: MedGen C0023976, MeSH D008133, MONDO:0002442. Disease mechanism: loss of function. Inheritance: Various modes of inheritance.

Submission:

Labcorp Genetics (formerly Invitae), Labcorp
Classification: Uncertain significance for Long QT syndrome. Last evaluated: 2024-01-04. Review status: criteria provided, single submitter. Criteria: Invitae Variant Classification Sherloc (09022015). Collection method: clinical testing. Allele origin: germline.
Comment: This variant results in a copy number gain of the genomic region encompassing exon(s) 44-47 of the CACNA1C gene. This region includes the termination codon of the gene. This copy number gain extends beyond the assayed region for this gene and therefore may encompass additional genes. As the precise location of this event is unknown, it may be in tandem or it may be located elsewhere in the genome. This variant has not been reported in the literature in individuals affected with CACNA1C-related conditions. Experimental studies and prediction algorithms are not available or were not evaluated, and the functional significance of this variant is currently unknown. In summary, the available evidence is currently insufficient to determine the role of this variant in disease. Therefore, it has been classified as a Variant of Uncertain Significance.